The following is an entry in ClinVar:

ClinVar aggregate classification (germline): Likely benign. Review status: criteria provided, single submitter (1 of 4 stars). 2 submissions from 2 submitters: Likely benign (1). 1 of the submissions does not count toward it. Last evaluated 2023-11-18.

Conditions:
CDK13-related disorder. Also called: CDK13-related condition. Identifiers: MedGen C5816700.

Allele frequency attached by ClinVar (database versions not stated): gnomAD exomes 0.00003; TOPMed 0.00003; gnomAD 0.00004.
gnomAD v4.1: 41 of 1,513,246 alleles (0.0027%); highest among the groups gnomAD compares: Non-Finnish European, 0.0033%; no homozygotes.

Submissions (2):

Labcorp Genetics (formerly Invitae), Labcorp
Classification: Likely benign. Last evaluated: 2023-11-18. Review status: criteria provided, single submitter. Criteria: Invitae Variant Classification Sherloc (09022015). Collection method: clinical testing. Allele origin: germline.

PreventionGenetics, part of Exact Sciences
Classification: Likely benign for CDK13-related condition. Last evaluated: 2019-07-08. Review status: no assertion criteria provided. Collection method: clinical testing. Allele origin: germline. Not counted in ClinVar's aggregate classification.
Comment: This variant is classified as likely benign based on ACMG/AMP sequence variant interpretation guidelines (Richards et al. 2015 PMID: 25741868, with internal and published modifications).

NM_003718.5(CDK13):c.726G>A (p.Arg242=)

Gene: CDK13 (cyclin dependent kinase 13; plus strand). Cytogenetic location: 7p14.1.
Variant type: single nucleotide variant.
Coding change: c.726G>A on transcript NM_003718.5 (MANE Select); coding-DNA position 726, G replaced by A.
Protein change: p.Arg242=; no amino-acid change (arginine 242 retained).
Molecular consequence: synonymous variant.
Genome position (GRCh38, 1-based): chr7:39,951,367, G>A. VCF-style: chr7-39951367-G-A. GRCh37 (hg19) VCF-style: chr7-39990966-G-A.
Other names: c.726G>A, p.Arg242= (NM_031267.4).
Identifiers: ClinVar variation 2895698 (VCV002895698.5), dbSNP rs1446701393, ClinGen allele CA454873573.